The following is an entry in ClinVar:

NM_004360.5(CDH1):c.2547_2548insA (p.Ser850fs)

Gene: CDH1 (cadherin 1; plus strand). Cytogenetic location: 16q22.1.
Variant type: Insertion.
Coding change: c.2547_2548insA on transcript NM_004360.5 (MANE Select); coding-DNA positions 2547 to 2548, A inserted.
Protein change: p.Ser850fs; shifts the reading frame from serine 850.
Molecular consequence: frameshift variant.
Genome position: GRCh38 VCF-style: chr16-68833397-C-CA. GRCh37 (hg19) VCF-style: chr16-68867300-C-CA.
Other names: c.2364_2365insA, p.Ser789fs (NM_001317184.2); c.999_1000insA, p.Ser334fs (NM_001317185.2); c.582_583insA, p.Ser195fs (NM_001317186.2); c.2547_2548insA (LRG_301t1); short protein forms S334fs, S195fs, S789fs, S850fs.
Identifiers: ClinVar variation 234904 (VCV000234904.3), dbSNP rs876661286, ClinGen allele CA10577553.

ClinVar aggregate classification (germline): Uncertain significance. Review status: reviewed by expert panel (3 of 4 stars). 2 submissions from 2 submitters: Uncertain significance (1). 1 of the submissions does not count toward it. Last evaluated 2023-08-04.

Conditions:
CDH1-related diffuse gastric and lobular breast cancer syndrome. Also called: CDH1-related diffuse gastric and lobular breast cancer. Identifiers: MedGen CN311521, MONDO:0100488.

Submissions (2):

Clingen Gastric Cancer Variant Curation Expert Panel
Classification: Uncertain significance for CDH1-related diffuse gastric and lobular breast cancer syndrome. Last evaluated: 2023-08-04. Review status: reviewed by expert panel. Criteria: ClinGen CDH1 ACMG Specifications V3.1. Collection method: curation. Allele origin: germline. Inheritance: Autosomal dominant inheritance.
Comment: The c.2547_2548insA (p.Ser850IlefsTer11) variant results in a premature stop codon that leads to a truncated protein. It is located within the nonsense mediated decay resistant zone, and downstream of codon 836 where the most 3' pathogenic variant in CDH1 terminates (PVS1_Moderate, PMID: 29798843). This variant is absent in the gnomAD cohort (PM2_Supporting). In summary, the clinical significance of this variant is uncertain based on the ACMG/AMP criteria applied as specified by the CDH1 Variant Curation Expert Panel (CDH1 VCEP specifications version 3.1): PVS1_Moderate, PM2_Supporting.

GeneDx
Classification: Uncertain significance. Last evaluated: 2016-03-18. Review status: criteria provided, single submitter. Criteria: GeneDx Variant Classification (06012015). Collection method: clinical testing. Allele origin: germline. Affected: yes. Not counted in ClinVar's aggregate classification.
Comment: This insertion of one nucleotide in CDH1 is denoted c.2547_2548insA at the cDNA level and p.Ser850IlefsX11 (S850IfsX11) at the protein level. The normal sequence, with the base that is inserted in braces, is GAAC[A]TCCT. The insertion causes a frameshift which changes a Serine to an Isoleucine at codon 850, and creates a premature stop codon at position 11 of the new reading frame. As this deletion is in the last exon of the gene, nonsense mediated decay is not expected to occur. Although this variant has not, to our knowledge, been reported in the literature, it is predicted to lead to protein truncation, the consequences of which are unclear. Based on currently available information, it is unclear whether this insertion is a pathogenic variant or a benign variant. We consider it to be a variant of uncertain significance.